The following is an entry in ClinVar:

ClinVar aggregate classification (germline): Uncertain significance (1 of 4 stars; one submission).

Conditions:
Multiple congenital anomalies-hypotonia-seizures syndrome 1 (MCAHS1). Also called: PIGN-CDG; Congenital disorder of glycosylation due to PIGN deficiency; GLYCOSYLPHOSPHATIDYLINOSITOL BIOSYNTHESIS DEFECT 3. Identifiers: Orphanet 280633, MedGen C3279775, MONDO:0013563, OMIM 614080.

Allele frequency attached by ClinVar (database versions not stated): gnomAD 0.00001; TOPMed 0.00002.
gnomAD v4.1: 20 of 1,492,742 alleles (0.0013%); highest among the groups gnomAD compares: Non-Finnish European, 0.0017%; no homozygotes.

Submission:

Labcorp Genetics (formerly Invitae), Labcorp
Classification: Uncertain significance for Multiple congenital anomalies-hypotonia-seizures syndrome 1. Last evaluated: 2024-12-14. Review status: criteria provided, single submitter. Criteria: Invitae Variant Classification Sherloc (09022015). Collection method: clinical testing. Allele origin: germline.
Comment: This sequence change replaces histidine, which is basic and polar, with proline, which is neutral and non-polar, at codon 653 of the PIGN protein (p.His653Pro). This variant is not present in population databases (gnomAD no frequency). This variant has not been reported in the literature in individuals affected with PIGN-related conditions. ClinVar contains an entry for this variant (Variation ID: 1442027). Invitae Evidence Modeling of protein sequence and biophysical properties (such as structural, functional, and spatial information, amino acid conservation, physicochemical variation, residue mobility, and thermodynamic stability) indicates that this missense variant is not expected to disrupt PIGN protein function with a negative predictive value of 80%. In summary, the available evidence is currently insufficient to determine the role of this variant in disease. Therefore, it has been classified as a Variant of Uncertain Significance.

NM_176787.5(PIGN):c.1958A>C (p.His653Pro)

Gene: PIGN (phosphatidylinositol glycan anchor biosynthesis class N; minus strand). Cytogenetic location: 18q21.33.
Variant type: single nucleotide variant.
Coding change: c.1958A>C on transcript NM_176787.5 (MANE Select); coding-DNA position 1958, A replaced by C.
Protein change: p.His653Pro; replaces histidine 653 with proline.
Molecular consequence: missense variant.
Genome position (GRCh38, 1-based): chr18:62,102,804, T>G on the plus strand (A>C on the coding strand, the complement: PIGN is on the minus strand). VCF-style: chr18-62102804-T-G. GRCh37 (hg19) VCF-style: chr18-59770037-T-G.
Other names: c.1958A>C, p.His653Pro (NM_012327.6); short protein forms H653P.
Identifiers: ClinVar variation 1442027 (VCV001442027.4), dbSNP rs1217364448, ClinGen allele CA402603960.